The following is an entry in ClinVar:

NM_012213.3(MLYCD):c.1363C>T (p.Arg455Cys)

Gene: MLYCD (malonyl-CoA decarboxylase; plus strand). Cytogenetic location: 16q23.3.
Variant type: single nucleotide variant.
Coding change: c.1363C>T on transcript NM_012213.3 (MANE Select); coding-DNA position 1363, C replaced by T.
Protein change: p.Arg455Cys; replaces arginine 455 with cysteine.
Molecular consequence: missense variant.
Genome position (GRCh38, 1-based): chr16:83,915,370, C>T. VCF-style: chr16-83915370-C-T. GRCh37 (hg19) VCF-style: chr16-83948975-C-T.
Other names: short protein forms R455C.
Identifiers: ClinVar variation 2193241 (VCV002193241.3), dbSNP rs778179498, ClinGen allele CA8197613.

ClinVar aggregate classification (germline): Uncertain significance. Review status: criteria provided, multiple submitters, no conflicts (2 of 4 stars). 3 submissions from 3 submitters: Uncertain significance (3). Last evaluated 2024-10-18.

Conditions:
Inborn genetic diseases. Identifiers: MedGen C0950123, MeSH D030342.
Deficiency of malonyl-CoA decarboxylase. Also called: Malonic aciduria; MCD deficiency. Identifiers: Orphanet 943, MedGen C0342793, MONDO:0009556, OMIM 248360.

Allele frequency attached by ClinVar (database versions not stated): gnomAD 0.00001; gnomAD exomes 0.00001; TOPMed 0.00001; ExAC 0.00003.
gnomAD v4.1: 19 of 1,613,746 alleles (0.0012%); highest among the groups gnomAD compares: East Asian, 0.02%; no homozygotes.

Submissions (3):

Blueprint Genetics
Classification: Uncertain significance. Last evaluated: 2024-10-18. Review status: criteria provided, single submitter. Criteria: ACMG Guidelines, 2015. Collection method: clinical testing. Allele origin: germline.

Ambry Genetics
Classification: Uncertain significance for Inborn genetic diseases. Last evaluated: 2024-06-11. Review status: criteria provided, single submitter. Criteria: Ambry Variant Classification Scheme 2023. Collection method: clinical testing. Allele origin: germline.

Labcorp Genetics (formerly Invitae), Labcorp
Classification: Uncertain significance for Deficiency of malonyl-CoA decarboxylase. Last evaluated: 2022-02-14. Review status: criteria provided, single submitter. Criteria: Invitae Variant Classification Sherloc (09022015). Collection method: clinical testing. Allele origin: germline.
Comment: This sequence change replaces arginine, which is basic and polar, with cysteine, which is neutral and slightly polar, at codon 455 of the MLYCD protein (p.Arg455Cys). This variant is present in population databases (rs778179498, gnomAD 0.04%). This variant has not been reported in the literature in individuals affected with MLYCD-related conditions. Algorithms developed to predict the effect of missense changes on protein structure and function (SIFT, PolyPhen-2, Align-GVGD) all suggest that this variant is likely to be disruptive. In summary, the available evidence is currently insufficient to determine the role of this variant in disease. Therefore, it has been classified as a Variant of Uncertain Significance.